The following is an entry in ClinVar:

ClinVar aggregate classification (germline): Uncertain significance. Review status: criteria provided, multiple submitters, no conflicts (2 of 4 stars). 2 submissions from 2 submitters: Uncertain significance (2). Last evaluated 2021-08-27.

Conditions:
Severe combined immunodeficiency due to DNA-PKcs deficiency. Also called: IMMUNODEFICIENCY 26 WITH NEUROLOGIC ABNORMALITIES; Immunodeficiency 26 with or without neurologic abnormalities. Identifiers: Orphanet 317425, MedGen C4014833, MONDO:0014423, OMIM 615966.

Allele frequency attached by ClinVar (database versions not stated): gnomAD exomes 0.00001 and 0.00002; ExAC 0.00002; gnomAD 0.00003; TOPMed 0.00003; ESP Exome Variant Server 0.00008.
gnomAD v4.1: 27 of 1,613,940 alleles (0.0017%); highest among the groups gnomAD compares: Non-Finnish European, 0.002%; no homozygotes.

Submissions (2):

Labcorp Genetics (formerly Invitae), Labcorp
Classification: Uncertain significance for Severe combined immunodeficiency due to DNA-PKcs deficiency. Last evaluated: 2021-08-27. Review status: criteria provided, single submitter. Criteria: Invitae Variant Classification Sherloc (09022015). Collection method: clinical testing. Allele origin: germline.

Baylor Genetics
Classification: Uncertain significance for Severe combined immunodeficiency due to DNA-PKcs deficiency. Last evaluated: 2018-04-13. Review status: criteria provided, single submitter. Criteria: ACMG Guidelines, 2015. Collection method: clinical testing. Allele origin: maternal. Affected: yes.
Comment: This variant was determined to be of uncertain significance according to ACMG Guidelines, 2015 [PMID:25741868].

NM_006904.7(PRKDC):c.4861A>G (p.Thr1621Ala)

Gene: PRKDC (protein kinase, DNA-activated, catalytic subunit; minus strand). Cytogenetic location: 8q11.21.
Variant type: single nucleotide variant.
Coding change: c.4861A>G on transcript NM_006904.7 (MANE Select); coding-DNA position 4861, A replaced by G.
Protein change: p.Thr1621Ala; replaces threonine 1621 with alanine.
Molecular consequence: missense variant.
Genome position (GRCh38, 1-based): chr8:47,882,013, T>C on the plus strand (A>G on the coding strand, the complement: PRKDC is on the minus strand). VCF-style: chr8-47882013-T-C. GRCh37 (hg19) VCF-style: chr8-48794574-T-C.
Other names: c.4861A>G, p.Thr1621Ala (NM_001081640.2); short protein forms T1621A.
Identifiers: ClinVar variation 968554 (VCV000968554.5), dbSNP rs370593598, ClinGen allele CA4740775.